The following is an entry in ClinVar:

ClinVar aggregate classification (germline): Uncertain significance (1 of 4 stars; one submission).

Conditions:
Neurofibromatosis, type 1 (NF1). Also called: Neurofibromatosis, type I; VON RECKLINGHAUSEN DISEASE; Peripheral type neurofibromatosis; NEUROFIBROMATOSIS, TYPE I, SOMATIC. Identifiers: Orphanet 636, MedGen C0027831, MONDO:0018975, OMIM 162200. Disease mechanism: loss of function.

Submission:

Labcorp Genetics (formerly Invitae), Labcorp
Classification: Uncertain significance for Neurofibromatosis, type 1. Last evaluated: 2021-08-27. Review status: criteria provided, single submitter. Criteria: Invitae Variant Classification Sherloc (09022015). Collection method: clinical testing. Allele origin: germline.
Comment: This sequence change replaces proline with alanine at codon 654 of the NF1 protein (p.Pro654Ala). The proline residue is moderately conserved and there is a small physicochemical difference between proline and alanine. This variant is not present in population databases (ExAC no frequency). This variant has not been reported in the literature in individuals affected with NF1-related conditions. Algorithms developed to predict the effect of missense changes on protein structure and function (SIFT, PolyPhen-2, Align-GVGD) all suggest that this variant is likely to be tolerated. In summary, the available evidence is currently insufficient to determine the role of this variant in disease. Therefore, it has been classified as a Variant of Uncertain Significance.

NM_001042492.3(NF1):c.1960C>G (p.Pro654Ala)

Gene: NF1 (neurofibromin 1; plus strand). Cytogenetic location: 17q11.2.
Variant type: single nucleotide variant.
Coding change: c.1960C>G on transcript NM_001042492.3 (MANE Select); coding-DNA position 1960, C replaced by G.
Protein change: p.Pro654Ala; replaces proline 654 with alanine.
Molecular consequence: missense variant.
Genome position (GRCh38, 1-based): chr17:31,225,209, C>G. VCF-style: chr17-31225209-C-G. GRCh37 (hg19) VCF-style: chr17-29552227-C-G.
Other names: c.1960C>G, p.Pro654Ala (NM_000267.4); short protein forms P654A.
Identifiers: ClinVar variation 861844 (VCV000861844.4), dbSNP rs765281937, ClinGen allele CA399005514.
Genomic context (GRCh38, chr17:31,225,209, plus strand): 5'-ATTCCTTCTAGTGGAAATACCAGTCAAATGTCCATGGATCATGAAGAATTACTACGTACT[C>G]CTGGAGCCTCTCTCCGGAAGGGAAAAGGGAACTCCTCTATGGTCAGCTTCTTCTGTACTT-3'
Protein context (NP_001035957.1, residues 644-664): SMDHEELLRT[Pro654Ala]GASLRKGKGN